The following is an entry in ClinVar:

NM_053025.4(MYLK):c.3410C>T (p.Thr1137Ile)

Gene: MYLK (myosin light chain kinase; minus strand). Cytogenetic location: 3q21.1.
Variant type: single nucleotide variant.
Coding change: c.3410C>T on transcript NM_053025.4 (MANE Select); coding-DNA position 3410, C replaced by T.
Protein change: p.Thr1137Ile; replaces threonine 1137 with isoleucine.
Molecular consequence: missense variant.
Genome position (GRCh38, 1-based): chr3:123,700,058, G>A on the plus strand (C>T on the coding strand, the complement: MYLK is on the minus strand). VCF-style: chr3-123700058-G-A. GRCh37 (hg19) VCF-style: chr3-123418905-G-A.
Other names: c.2882C>T, p.Thr961Ile (NM_001321309.2); c.3203C>T, p.Thr1068Ile (NM_053026.4, NM_053028.4); c.3410C>T, p.Thr1137Ile (NM_053027.4); short protein forms T1068I, T1137I, T961I.
Identifiers: ClinVar variation 1315811 (VCV001315811.2), dbSNP rs1042205525, ClinGen allele CA82924515.
Genomic context (GRCh38, chr3:123,700,058, plus strand): 5'-CCCAACCCCCATGCTCATTTACCTTCCTGGGAGAGGATGATGAACTTGGTGGTCTTGAGG[G>A]TCTTTCCGTTCAGCGTCCAGATGATGGTGGCTGGGGGGTCAGAAGACACCTGGCACTGGA-3'
Protein context (NP_444253.3, residues 1127-1147): ATIIWTLNGK[Thr1137Ile]LKTTKFIILS

ClinVar aggregate classification (germline): Uncertain significance (1 of 4 stars; one submission).

Allele frequency attached by ClinVar (database versions not stated): gnomAD 0.00001; TOPMed 0.00001.
gnomAD v4.1: 1 of 1,613,944 alleles (0.000062%); highest among the groups gnomAD compares: Non-Finnish European, 0.000085%; no homozygotes.

Submission:

GeneDx
Classification: Uncertain significance. Last evaluated: 2019-10-16. Review status: criteria provided, single submitter. Criteria: GeneDx Variant Classification Process June 2021. Collection method: clinical testing. Allele origin: germline. Affected: yes.
Comment: Has not been previously published as pathogenic or benign to our knowledge; Not observed at a significant frequency in large population cohorts (Lek et al., 2016); In silico analysis, which includes protein predictors and evolutionary conservation, supports that this variant does not alter protein structure/function